The following is an entry in ClinVar:

NM_022370.4(ROBO3):c.1542G>A (p.Met514Ile)

Gene: ROBO3 (roundabout guidance receptor 3; plus strand). Cytogenetic location: 11q24.2.
Variant type: single nucleotide variant.
Coding change: c.1542G>A on transcript NM_022370.4 (MANE Select); coding-DNA position 1542, G replaced by A.
Protein change: p.Met514Ile; replaces methionine 514 with isoleucine.
Molecular consequence: missense variant.
Genome position (GRCh38, 1-based): chr11:124,873,315, G>A. VCF-style: chr11-124873315-G-A. GRCh37 (hg19) VCF-style: chr11-124743211-G-A.
Other names: short protein forms M514I.
Identifiers: ClinVar variation 303240 (VCV000303240.22), dbSNP rs200197609, ClinGen allele CA6343526.

ClinVar aggregate classification (germline): Conflicting classifications of pathogenicity. Review status: criteria provided, conflicting classifications (1 of 4 stars). 6 submissions from 6 submitters: Uncertain significance (1); Likely benign (5). Last evaluated 2026-08-10.

Conditions:
Gaze palsy, familial horizontal, with progressive scoliosis 1 (HGPPS1). Identifiers: Orphanet 2744, MedGen C4551964, MONDO:0020790, OMIM 607313.
Inborn genetic diseases. Identifiers: MedGen C0950123, MeSH D030342.
ROBO3-related disorder. Also called: ROBO3-related condition.

Allele frequency attached by ClinVar (database versions not stated): gnomAD exomes 0.00040 and 0.00015; ExAC 0.00056; ESP Exome Variant Server 0.00098; gnomAD 0.00140 and 0.00146; 1000 Genomes Project 0.00160; TOPMed 0.00173; 1000 Genomes Project 30x 0.00203.
gnomAD v4.1: 447 of 1,609,002 alleles (0.028%); highest among the groups gnomAD compares: African/African-American, 0.51%; 2 homozygotes.

Submissions (6):

PreventionGenetics, part of Exact Sciences
Classification: Likely benign for ROBO3-related condition. Last evaluated: 2026-08-10. Review status: criteria provided, single submitter. Criteria: ACMG Guidelines, 2015. Collection method: clinical testing. Allele origin: germline.
Comment: This variant is classified as likely benign based on ACMG/AMP sequence variant interpretation guidelines (Richards et al. 2015 PMID: 25741868, with internal and published modifications).

CeGaT Center for Human Genetics Tuebingen
Classification: Likely benign. Last evaluated: 2025-05-01. Review status: criteria provided, single submitter. Criteria: CeGaT Center For Human Genetics Tuebingen Variant Classification Criteria Version 2. Collection method: clinical testing. Allele origin: germline. Affected: yes. Observed: 1 variant allele.
Comment: ROBO3: BP4

Ambry Genetics
Classification: Uncertain significance for Inborn genetic diseases. Last evaluated: 2021-10-20. Review status: criteria provided, single submitter. Criteria: Ambry Variant Classification Scheme 2023. Collection method: clinical testing. Allele origin: germline.

Illumina Laboratory Services, Illumina
Classification: Likely benign for Gaze palsy, familial horizontal, with progressive scoliosis 1. Last evaluated: 2018-01-12. Review status: criteria provided, single submitter. Criteria: ICSL Variant Classification Criteria 13 December 2019. Collection method: clinical testing. Allele origin: germline.
Comment: This variant was observed in the ICSL laboratory as part of a predisposition screen in an ostensibly healthy population. It had not been previously curated by ICSL or reported in the Human Gene Mutation Database (HGMD: prior to June 1st, 2018), and was therefore a candidate for classification through an automated scoring system. Utilizing variant allele frequency, disease prevalence and penetrance estimates, and inheritance mode, an automated score was calculated to assess if this variant is too frequent to cause the disease. Based on the score and internal cut-off values, a variant classified as likely benign is not then subjected to further curation. The score for this variant resulted in a classification of likely benign for this disease.

Labcorp Genetics (formerly Invitae), Labcorp
Classification: Likely benign. Last evaluated: 2018-01-08. Review status: criteria provided, single submitter. Criteria: Invitae Variant Classification Sherloc (09022015). Collection method: clinical testing. Allele origin: germline.

Breakthrough Genomics
Classification: Likely benign. Review status: criteria provided, single submitter. Criteria: ACMG Guidelines, 2015. Collection method: not provided. Allele origin: germline. Inheritance: Autosomal recessive inheritance. Affected: yes.